The following is an entry in ClinVar:

NM_022765.4(MICAL1):c.502G>A (p.Ala168Thr)

Gene: MICAL1 (microtubule associated monooxygenase, calponin and LIM domain containing 1; minus strand). Cytogenetic location: 6q21.
Variant type: single nucleotide variant.
Coding change: c.502G>A on transcript NM_022765.4 (MANE Select); coding-DNA position 502, G replaced by A.
Protein change: p.Ala168Thr; replaces alanine 168 with threonine.
Molecular consequence: missense variant.
Genome position (GRCh38, 1-based): chr6:109,453,332, C>T on the plus strand (G>A on the coding strand, the complement: MICAL1 is on the minus strand). VCF-style: chr6-109453332-C-T. GRCh37 (hg19) VCF-style: chr6-109774535-C-T.
Other names: c.502G>A, p.Ala168Thr (NM_001159291.2); c.559G>A, p.Ala187Thr (NM_001286613.2); c.502G>A (NM_022765.3); short protein forms A187T, A168T.
Identifiers: ClinVar variation 1920756 (VCV001920756.8), dbSNP rs773578067, ClinGen allele CA3953749.
Genomic context (GRCh38, chr6:109,453,332, plus strand): 5'-GAGGGGGCTGGAGGCCAGTGAAAGTGACACCCCAGTGAATTTCCACCCCCAGCAGCAATG[C>T]TACCTTCAGCAGAAGCAGCTGGAGCTGCCTGATGCCTGGAAGGGAGAGGACATTAGGAAC-3'
Protein context (NP_073602.3, residues 158-178): RQLQLLLLKV[Ala168Thr]LLLGVEIHWG

ClinVar aggregate classification (germline): Uncertain significance. Review status: criteria provided, multiple submitters, no conflicts (2 of 4 stars). 2 submissions from 2 submitters: Uncertain significance (2). Last evaluated 2026-01-12.

Allele frequency attached by ClinVar (database versions not stated): TOPMed 0.00001; gnomAD 0.00002; ExAC 0.00006; gnomAD exomes 0.00006; 1000 Genomes Project 30x 0.00016.

Submissions (2):

Labcorp Genetics (formerly Invitae), Labcorp
Classification: Uncertain significance. Last evaluated: 2026-01-12. Review status: criteria provided, single submitter. Criteria: Invitae Variant Classification Sherloc (09022015). Collection method: clinical testing. Allele origin: germline.
Comment: This sequence change replaces alanine, which is neutral and non-polar, with threonine, which is neutral and polar, at codon 187 of the MICAL1 protein (p.Ala187Thr). This variant is present in population databases (rs773578067, gnomAD 0.007%). This variant has not been reported in the literature in individuals affected with MICAL1-related conditions. ClinVar contains an entry for this variant (Variation ID: 1920756). An algorithm developed to predict the effect of missense changes on protein structure and function (PolyPhen-2) suggests that this variant is likely to be tolerated. Algorithms developed to predict the effect of sequence changes on RNA splicing suggest that this variant may create or strengthen a splice site. In summary, the available evidence is currently insufficient to determine the role of this variant in disease. Therefore, it has been classified as a Variant of Uncertain Significance.

Ambry Genetics
Classification: Uncertain significance. Last evaluated: 2025-08-07. Review status: criteria provided, single submitter. Criteria: Ambry Variant Classification Scheme 2023. Collection method: clinical testing. Allele origin: germline.